The following is an entry in ClinVar:

NM_006914.4(RORB):c.354T>C (p.Leu118=)

Gene: RORB (RAR related orphan receptor B; plus strand). Cytogenetic location: 9q21.13.
Variant type: single nucleotide variant.
Coding change: c.354T>C on transcript NM_006914.4 (MANE Select); coding-DNA position 354, T replaced by C.
Protein change: p.Leu118=; no amino-acid change (leucine 118 retained).
Molecular consequence: synonymous variant.
Genome position (GRCh38, 1-based): chr9:74,642,532, T>C. VCF-style: chr9-74642532-T-C. GRCh37 (hg19) VCF-style: chr9-77257448-T-C.
Other names: c.387T>C, p.Leu129= (NM_001365023.1).
Identifiers: ClinVar variation 1671610 (VCV001671610.24), dbSNP rs12115740, ClinGen allele CA5083350.
Genomic context (GRCh38, chr9:74,642,532, plus strand): 5'-GAAGCACCAGCAGCGGCTGCAGGAACAGCGGCAGCAGCAGAGTGGGGAGGCAGAAGCCCT[T>C]GCCAGGGTGTACAGCAGCAGCATTAGCAACGGCCTGAGCAACCTGAACAACGAGACCAGC-3'
Protein context (NP_008845.2, residues 108-128): RQQQSGEAEA[Leu118=]ARVYSSSISN

ClinVar aggregate classification (germline): Benign/Likely benign. Review status: criteria provided, multiple submitters, no conflicts (2 of 4 stars). 5 submissions from 5 submitters: Benign (3); Likely benign (2). Last evaluated 2026-02-03.

Conditions:
Epilepsy, idiopathic generalized, susceptibility to, 15 (EIG15). Identifiers: MedGen C5193050, MONDO:0032699, OMIM 618357.

Allele frequency attached by ClinVar (database versions not stated): gnomAD exomes 0.00011 and 0.00025; ExAC 0.00032; 1000 Genomes Project 0.00120; TOPMed 0.00122; 1000 Genomes Project 30x 0.00125; gnomAD 0.00125 and 0.00130; ESP Exome Variant Server 0.00146.
gnomAD v4.1: 358 of 1,614,170 alleles (0.022%); highest among the groups gnomAD compares: African/African-American, 0.42%; 1 homozygote.

Submissions (5):

Labcorp Genetics (formerly Invitae), Labcorp
Classification: Benign. Last evaluated: 2026-02-03. Review status: criteria provided, single submitter. Criteria: Invitae Variant Classification Sherloc (09022015). Collection method: clinical testing. Allele origin: germline.

CeGaT Center for Human Genetics Tuebingen
Classification: Likely benign. Last evaluated: 2025-08-01. Review status: criteria provided, single submitter. Criteria: CeGaT Center For Human Genetics Tuebingen Variant Classification Criteria Version 2. Collection method: clinical testing. Allele origin: germline. Affected: yes. Observed: 2 variant alleles.
Comment: RORB: BP4, BP7

ARUP Laboratories, Molecular Genetics and Genomics, ARUP Laboratories
Classification: Benign for Epilepsy, idiopathic generalized, susceptibility to, 15. Last evaluated: 2025-04-08. Review status: criteria provided, single submitter. Criteria: ARUP Molecular Germline Variant Investigation Process 2024. Collection method: clinical testing. Allele origin: germline.

Blueprint Genetics
Classification: Likely benign. Last evaluated: 2024-10-31. Review status: criteria provided, single submitter. Criteria: ACMG Guidelines, 2015. Collection method: clinical testing. Allele origin: germline.

Breakthrough Genomics
Classification: Benign. Review status: criteria provided, single submitter. Criteria: ACMG Guidelines, 2015. Collection method: not provided. Allele origin: germline. Inheritance: Autosomal dominant inheritance. Affected: yes.